The following is an entry in ClinVar:

ClinVar aggregate classification (germline): Pathogenic. Review status: reviewed by expert panel (3 of 4 stars). 4 submissions from 4 submitters: Pathogenic (1). 3 of the submissions do not count toward it. Last evaluated 2016-09-08.

Conditions:
Hereditary breast ovarian cancer syndrome. Also called: Hereditary breast and/or ovarian cancer syndrome; Breast and ovarian cancer; Hereditary breast and ovarian cancer syndrome; Hereditary breast and ovarian cancer; Hereditary breast and ovarian cancer syndrome (HBOC); BRCA1- and BRCA2-Associated Hereditary Breast and Ovarian Cancer. Identifiers: Orphanet 145, MedGen C0677776, MeSH D061325, MONDO:0003582. Disease mechanism: loss of function.
Breast-ovarian cancer, familial, susceptibility to, 1 (BROVCA1). Also called: BRCA1 Hereditary Breast and Ovarian Cancer; OVARIAN CANCER, SUSCEPTIBILITY TO. Identifiers: Orphanet 145, MedGen C2676676, MONDO:0011450, OMIM 604370. Disease mechanism: loss of function.
Breast carcinoma. Also called: Carcinoma of breast. Identifiers: MedGen C0678222, MONDO:0004989, HP:0003002.

Submissions (4):

Evidence-based Network for the Interpretation of Germline Mutant Alleles (ENIGMA)
Classification: Pathogenic for Breast-ovarian cancer, familial, susceptibility to, 1. Last evaluated: 2016-09-08. Review status: reviewed by expert panel. Criteria: ENIGMA BRCA1/2 Classification Criteria (2015). Collection method: curation. Allele origin: germline.
Comment: Variant allele predicted to encode a truncated non-functional protein.

Labcorp Genetics (formerly Invitae), Labcorp
Classification: Pathogenic for Hereditary breast ovarian cancer syndrome. Last evaluated: 2023-07-03. Review status: criteria provided, single submitter. Criteria: Invitae Variant Classification Sherloc (09022015). Collection method: clinical testing. Allele origin: germline. Not counted in ClinVar's aggregate classification.
Comment: This variant is not present in population databases (gnomAD no frequency). This sequence change creates a premature translational stop signal (p.Gly1748Valfs*17) in the BRCA1 gene. It is expected to result in an absent or disrupted protein product. Loss-of-function variants in BRCA1 are known to be pathogenic (PMID: 20104584). This premature translational stop signal has been observed in individual(s) with breast cancer (PMID: 32658311). For these reasons, this variant has been classified as Pathogenic. ClinVar contains an entry for this variant (Variation ID: 125807).

Medical Genetics Laboratory, Umraniye Training and Research Hospital, University of Health Sciences
Classification: Pathogenic for Breast carcinoma. Last evaluated: 2021-08-08. Review status: no assertion criteria provided. Collection method: clinical testing. Allele origin: germline. Inheritance: Autosomal dominant inheritance. Affected: yes. Not counted in ClinVar's aggregate classification.

Breast Cancer Information Core (BIC) (BRCA1)
Classification: Pathogenic for Breast-ovarian cancer, familial 1. Last evaluated: 2004-11-25. Review status: no assertion criteria provided. Collection method: clinical testing. Allele origin: germline. Affected: yes. Observed: 1 variant allele. Not counted in ClinVar's aggregate classification.

Literature cited by the submitters: PubMed 20104584 (cited by Labcorp Genetics (formerly Invitae), Labcorp); PubMed 32658311 (cited by Labcorp Genetics (formerly Invitae), Labcorp).

NM_007294.4(BRCA1):c.5241del (p.Gly1748fs)

Gene: BRCA1 (BRCA1 DNA repair associated; minus strand). Cytogenetic location: 17q21.31.
Variant type: Deletion.
Coding change: c.5241del on transcript NM_007294.4 (MANE Select); coding-DNA position 5241, one base deleted (A; older notation c.5241delA).
Protein change: p.Gly1748fs; shifts the reading frame from glycine 1748.
Molecular consequence: frameshift variant. On other transcripts: non-coding transcript variant (1).
Genome position (GRCh38, 1-based): chr17:43,057,088, T deleted on the plus strand (A on the coding strand, the reverse complement: BRCA1 is on the minus strand); the first of 2 consecutive T bases (chr17:43,057,088-43,057,089); deleting either gives the same sequence. VCF-style (leftmost placement, unchanged base first): chr17-43057087-CT-C. GRCh37 (hg19) VCF-style: chr17-41209104-CT-C.
Other names: 5360delA; c.5241delA (NM_007294.4, NM_007294.3); c.5237delA, p.Gly1747Valfs (NM_001407620.1, NM_001407621.1, NM_001407622.1 and 17 more transcripts); c.5234delA, p.Gly1746Valfs (NM_001407627.1, NM_001407628.1, NM_001407629.1 and 14 more transcripts); c.5231delA, p.Gly1745Valfs (NM_001407644.1, NM_001407645.1); c.5228delA, p.Gly1744Valfs (NM_001407646.1); c.5225delA, p.Gly1743Valfs (NM_001407647.1); c.5183delA, p.Gly1729Valfs (NM_001407648.1); and 77 more; short protein forms G1769fs, G644fs, G1701fs, G1748fs.
Identifiers: ClinVar variation 125807 (VCV000125807.9), dbSNP rs80357791, ClinGen allele CA003381.